The following is an entry in ClinVar:

ClinVar aggregate classification (germline): Benign/Likely benign. Review status: criteria provided, multiple submitters, no conflicts (2 of 4 stars). 7 submissions from 7 submitters: Benign (2); Likely benign (5). Last evaluated 2026-02-03.

Conditions:
Developmental and epileptic encephalopathy, 32 (DEE32). Also called: Epileptic encephalopathy, early infantile, 32. Identifiers: Orphanet 442835, MedGen C4225350, MONDO:0014607, OMIM 616366.
Inborn genetic diseases. Identifiers: MedGen C0950123, MeSH D030342.
KCNA2-related disorder. Also called: KCNA2-related condition.

Allele frequency attached by ClinVar (database versions not stated): ESP Exome Variant Server 0.00054; 1000 Genomes Project 0.00060; 1000 Genomes Project 30x 0.00062; gnomAD 0.00069 and 0.00073; TOPMed 0.00074; gnomAD exomes 0.00080 and 0.00105; ExAC 0.00083.
gnomAD v4.1: 1,614 of 1,614,152 alleles (0.1%); highest among the groups gnomAD compares: Non-Finnish European, 0.13%; 2 homozygotes.

Submissions (7):

Labcorp Genetics (formerly Invitae), Labcorp
Classification: Benign for Developmental and epileptic encephalopathy, 32. Last evaluated: 2026-02-03. Review status: criteria provided, single submitter. Criteria: Invitae Variant Classification Sherloc (09022015). Collection method: clinical testing. Allele origin: germline.

Laboratory of Genetics, Children's Clinical University Hospital Latvia
Classification: Likely benign. Last evaluated: 2025-02-16. Review status: criteria provided, single submitter. Criteria: ACMG Guidelines, 2015. Collection method: clinical testing. Allele origin: germline. Affected: yes.

PreventionGenetics, part of Exact Sciences
Classification: Likely benign for KCNA2-related condition. Last evaluated: 2025-02-13. Review status: criteria provided, single submitter. Criteria: ACMG Guidelines, 2015. Collection method: clinical testing. Allele origin: germline.
Comment: This variant is classified as likely benign based on ACMG/AMP sequence variant interpretation guidelines (Richards et al. 2015 PMID: 25741868, with internal and published modifications).

Blueprint Genetics
Classification: Likely benign. Last evaluated: 2024-11-22. Review status: criteria provided, single submitter. Criteria: ACMG Guidelines, 2015. Collection method: clinical testing. Allele origin: germline.

CeGaT Center for Human Genetics Tuebingen
Classification: Likely benign. Last evaluated: 2023-09-01. Review status: criteria provided, single submitter. Criteria: CeGaT Center For Human Genetics Tuebingen Variant Classification Criteria Version 2. Collection method: clinical testing. Allele origin: germline. Affected: yes. Observed: 4 variant alleles.
Comment: KCNA2: BP4, BS1

GeneDx
Classification: Benign. Last evaluated: 2019-03-08. Review status: criteria provided, single submitter. Criteria: GeneDx Variant Classification Process June 2021. Collection method: clinical testing. Allele origin: germline. Affected: yes.

Ambry Genetics
Classification: Likely benign for Inborn genetic diseases. Last evaluated: 2016-10-20. Review status: criteria provided, single submitter. Criteria: Ambry Variant Classification Scheme 2023. Collection method: clinical testing. Allele origin: germline.

NM_004974.4(KCNA2):c.807C>T (p.Thr269=)

Gene: KCNA2 (potassium voltage-gated channel subfamily A member 2; minus strand). Cytogenetic location: 1p13.3.
Variant type: single nucleotide variant.
Coding change: c.807C>T on transcript NM_004974.4 (MANE Select); coding-DNA position 807, C replaced by T.
Protein change: p.Thr269=; no amino-acid change (threonine 269 retained).
Molecular consequence: synonymous variant.
Genome position (GRCh38, 1-based): chr1:110,603,976, G>A on the plus strand (C>T on the coding strand, the complement: KCNA2 is on the minus strand). VCF-style: chr1-110603976-G-A. GRCh37 (hg19) VCF-style: chr1-111146598-G-A.
Other names: c.807C>T, p.Thr269= (NM_001204269.2).
Identifiers: ClinVar variation 542668 (VCV000542668.50), dbSNP rs146036196, ClinGen allele CA1000680.